The following is an entry in ClinVar:

NM_017570.5(OPLAH):c.3005T>C (p.Ile1002Thr)

Gene: OPLAH (5-oxoprolinase, ATP-hydrolysing; minus strand). Cytogenetic location: 8q24.3.
Variant type: single nucleotide variant.
Coding change: c.3005T>C on transcript NM_017570.5 (MANE Select); coding-DNA position 3005, T replaced by C.
Protein change: p.Ile1002Thr; replaces isoleucine 1002 with threonine.
Molecular consequence: missense variant.
Genome position (GRCh38, 1-based): chr8:144,052,996, A>G on the plus strand (T>C on the coding strand, the complement: OPLAH is on the minus strand). VCF-style: chr8-144052996-A-G. GRCh37 (hg19) VCF-style: chr8-145107899-A-G.
Other names: short protein forms I1002T.
Identifiers: ClinVar variation 3670193 (VCV003670193.1).
Genomic context (GRCh38, chr8:144,052,996, plus strand): 5'-GCCGCACCGTGCCCCTGCCGCCTAGAGGCACTCTCCCCACGGCCCACCTGACTCAGGCTG[A>G]TCTGCACACGGAGGCGGATGGGGGAACCGTCGTCCATGTGGTCTTCCGAGGACACCTCCA-3'
Protein context (NP_060040.1, residues 992-1012): DGSPIRLRVQ[Ile1002Thr]SLSQGSAVFD

ClinVar aggregate classification (germline): Uncertain significance (1 of 4 stars; one submission).

Conditions:
5-Oxoprolinase deficiency (OPLAHD). Also called: 5-OXOPROLINURIA DUE TO 5-OXOPROLINASE DEFICIENCY. Identifiers: Orphanet 33572, MedGen C0268525, MONDO:0009825, OMIM 260005, HP:0040142.

Submission:

Labcorp Genetics (formerly Invitae), Labcorp
Classification: Uncertain significance for 5-Oxoprolinase deficiency. Last evaluated: 2024-12-18. Review status: criteria provided, single submitter. Criteria: Invitae Variant Classification Sherloc (09022015). Collection method: clinical testing. Allele origin: germline.
Comment: This sequence change replaces isoleucine, which is neutral and non-polar, with threonine, which is neutral and polar, at codon 1002 of the OPLAH protein (p.Ile1002Thr). The frequency data for this variant in the population databases is considered unreliable, as metrics indicate poor data quality at this position in the gnomAD database. This variant has not been reported in the literature in individuals affected with OPLAH-related conditions. An algorithm developed to predict the effect of missense changes on protein structure and function (PolyPhen-2) suggests that this variant is likely to be disruptive. In summary, the available evidence is currently insufficient to determine the role of this variant in disease. Therefore, it has been classified as a Variant of Uncertain Significance.